The following is an entry in ClinVar:

ClinVar aggregate classification (germline): Uncertain significance (1 of 4 stars; one submission).

Conditions:
Tuberous sclerosis 2 (TSC2). Identifiers: Orphanet 805, MedGen C1860707, MONDO:0013199, OMIM 613254.

Submission:

Labcorp Genetics (formerly Invitae), Labcorp
Classification: Uncertain significance for Tuberous sclerosis 2. Last evaluated: 2020-09-25. Review status: criteria provided, single submitter. Criteria: Invitae Variant Classification Sherloc (09022015). Collection method: clinical testing. Allele origin: germline.
Comment: In summary, the available evidence is currently insufficient to determine the role of this variant in disease. Therefore, it has been classified as a Variant of Uncertain Significance. Nucleotide substitutions within the consensus splice site are a relatively common cause of aberrant splicing (PMID: 17576681, 9536098). Algorithms developed to predict the effect of sequence changes on RNA splicing suggest that this variant may disrupt the consensus splice site, but this prediction has not been confirmed by published transcriptional studies. This variant has been reported in individuals in the Leiden Open-source Variation Database (PMID: 21520333). This variant is not present in population databases (ExAC no frequency). This sequence change falls in intron 15 of the TSC2 gene. It does not directly change the encoded amino acid sequence of the TSC2 protein, but it affects a nucleotide within the consensus splice site of the intron.

Literature cited by the submitters: PubMed 17576681; PubMed 9536098; PubMed 21520333.

NM_000548.5(TSC2):c.1600-9_1600-5del

Gene: TSC2 (TSC complex subunit 2; plus strand). Cytogenetic location: 16p13.3.
Variant type: Deletion.
Coding change: c.1600-9_1600-5del on transcript NM_000548.5 (MANE Select); 9 bases into the intron before coding-DNA position 1600 through 5 bases into the intron before coding-DNA position 1600, 5 bases deleted (TCTTC; older notation c.1600-9_1600-5delTCTTC).
Molecular consequence: intron variant.
Genome position (GRCh38, 1-based): chr16:2,065,510-2,065,514, TCTTC deleted; deleting any 5 consecutive bases within chr16:2,065,506-2,065,514 gives the same sequence; the c. name uses the placement nearest the transcript's 3' end. VCF-style (leftmost placement, unchanged base first): chr16-2065505-CCTTCT-C. GRCh37 (hg19) VCF-style: chr16-2115506-CCTTCT-C.
Other names: c.1600-9_1600-5del (NM_001114382.3, NM_021055.3, NM_001370405.1 and 3 more transcripts); c.1489-9_1489-5del (NM_001318827.2); c.1000-9_1000-5del (NM_001318831.2); c.1453-9_1453-5del (NM_001318829.2); c.1633-9_1633-5del (NM_001318832.2).
Identifiers: ClinVar variation 1058429 (VCV001058429.9), dbSNP rs2151205718, ClinGen allele CA2499223286.